The following is an entry in ClinVar:

ClinVar aggregate classification (germline): Likely benign (1 of 4 stars; one submission).

Conditions:
TSHZ1-related disorder. Also called: TSHZ1-related condition.

gnomAD v4.1: 86 of 1,613,792 alleles (0.0053%); highest among the groups gnomAD compares: Middle Eastern, 0.016%; no homozygotes.

Submission:

PreventionGenetics, part of Exact Sciences
Classification: Likely benign for TSHZ1-related condition. Last evaluated: 2025-12-10. Review status: criteria provided, single submitter. Criteria: ACMG Guidelines, 2015. Collection method: clinical testing. Allele origin: germline.
Comment: This variant is classified as likely benign based on ACMG/AMP sequence variant interpretation guidelines (Richards et al. 2015 PMID: 25741868, with internal and published modifications).

NM_001308210.2(TSHZ1):c.1833G>A (p.Ser611=)

Gene: TSHZ1 (teashirt zinc finger homeobox 1; plus strand). Cytogenetic location: 18q22.3.
Variant type: single nucleotide variant.
Coding change: c.1833G>A on transcript NM_001308210.2 (MANE Select); coding-DNA position 1833, G replaced by A.
Protein change: p.Ser611=; no amino-acid change (serine 611 retained).
Molecular consequence: synonymous variant.
Genome position (GRCh38, 1-based): chr18:75,287,240, G>A. VCF-style: chr18-75287240-G-A. GRCh37 (hg19) VCF-style: chr18-72999195-G-A.
Other names: c.1698G>A, p.Ser566= (NM_005786.6).
Identifiers: ClinVar variation 4980641 (VCV004980641.1).